The following is an entry in ClinVar:

ClinVar aggregate classification (germline): Likely benign (1 of 4 stars; one submission).

Allele frequency attached by ClinVar (database versions not stated): gnomAD 0.00200; TOPMed 0.00220; ESP Exome Variant Server 0.00285; 1000 Genomes Project 0.00359; 1000 Genomes Project 30x 0.00406.

Submission:

CeGaT Center for Human Genetics Tuebingen
Classification: Likely benign. Last evaluated: 2024-04-01. Review status: criteria provided, single submitter. Criteria: CeGaT Center For Human Genetics Tuebingen Variant Classification Criteria Version 2. Collection method: clinical testing. Allele origin: germline. Affected: yes. Observed: 1 variant allele.
Comment: LPIN3: BP4, BP7

NM_022896.3(LPIN3):c.870C>T (p.Gly290=)

Gene: LPIN3 (lipin 3; plus strand). Cytogenetic location: 20q12.
Variant type: single nucleotide variant.
Coding change: c.870C>T on transcript NM_022896.3 (MANE Select); coding-DNA position 870, C replaced by T.
Protein change: p.Gly290=; no amino-acid change (glycine 290 retained).
Molecular consequence: synonymous variant. On other transcripts: non-coding transcript variant (1).
Genome position (GRCh38, 1-based): chr20:41,350,165, C>T. VCF-style: chr20-41350165-C-T. GRCh37 (hg19) VCF-style: chr20-39978805-C-T.
Other names: c.873C>T, p.Gly291= (NM_001301860.2).
Identifiers: ClinVar variation 3234273 (VCV003234273.20), dbSNP rs143269247, ClinGen allele CA9860505.
Genomic context (GRCh38, chr20:41,350,165, plus strand): 5'-TGGGGCAACCTCTCCTCCTCGGGGAGGACCCAGCACTCCCTCTACCTCTGTGGCTGGCGG[C>T]GTGGACCCTTTGGGACTCCCAATCCAGCAAACAGAGGCTGGTGCCGACCTTCAGCCTGAC-3'
Protein context (NP_075047.1, residues 280-300): PSTPSTSVAG[Gly290=]VDPLGLPIQQ